The following is an entry in ClinVar:

NM_005883.3(APC2):c.985G>A (p.Gly329Arg)

Gene: APC2 (APC regulator of Wnt signaling pathway 2; plus strand). Cytogenetic location: 19p13.3.
Variant type: single nucleotide variant.
Coding change: c.985G>A on transcript NM_005883.3 (MANE Select); coding-DNA position 985, G replaced by A.
Protein change: p.Gly329Arg; replaces glycine 329 with arginine.
Molecular consequence: missense variant.
Genome position (GRCh38, 1-based): chr19:1,457,021, G>A. VCF-style: chr19-1457021-G-A. GRCh37 (hg19) VCF-style: chr19-1457020-G-A.
Other names: c.982G>A, p.Gly328Arg (NM_001351273.1); short protein forms G329R, G328R.
Identifiers: ClinVar variation 1974923 (VCV001974923.6), dbSNP rs749190654, ClinGen allele CA9044943.

ClinVar aggregate classification (germline): Uncertain significance. Review status: criteria provided, multiple submitters, no conflicts (2 of 4 stars). 2 submissions from 2 submitters: Uncertain significance (2). Last evaluated 2023-06-29.

Conditions:
Inborn genetic diseases. Identifiers: MedGen C0950123, MeSH D030342.

Allele frequency attached by ClinVar (database versions not stated): gnomAD exomes 0.00001; gnomAD 0.00002; TOPMed 0.00002; ExAC 0.00009.
gnomAD v4.1: 22 of 1,527,334 alleles (0.0014%); highest among the groups gnomAD compares: Middle Eastern, 0.037%; no homozygotes.

Submissions (2):

Labcorp Genetics (formerly Invitae), Labcorp
Classification: Uncertain significance. Last evaluated: 2023-06-29. Review status: criteria provided, single submitter. Criteria: Invitae Variant Classification Sherloc (09022015). Collection method: clinical testing. Allele origin: germline.
Comment: In summary, the available evidence is currently insufficient to determine the role of this variant in disease. Therefore, it has been classified as a Variant of Uncertain Significance. Advanced modeling of protein sequence and biophysical properties (such as structural, functional, and spatial information, amino acid conservation, physicochemical variation, residue mobility, and thermodynamic stability) performed at Invitae indicates that this missense variant is expected to disrupt APC2 protein function. ClinVar contains an entry for this variant (Variation ID: 1974923). This variant has not been reported in the literature in individuals affected with APC2-related conditions. The frequency data for this variant in the population databases is considered unreliable, as metrics indicate poor data quality at this position in the gnomAD database. This sequence change replaces glycine, which is neutral and non-polar, with arginine, which is basic and polar, at codon 329 of the APC2 protein (p.Gly329Arg).

Ambry Genetics
Classification: Uncertain significance for Inborn genetic diseases. Last evaluated: 2021-10-27. Review status: criteria provided, single submitter. Criteria: Ambry Variant Classification Scheme 2023. Collection method: clinical testing. Allele origin: germline.